The following is an entry in ClinVar:

ClinVar aggregate classification (germline): Likely pathogenic (1 of 4 stars; one submission).

Conditions:
Hajdu-Cheney syndrome (HJCYS). Also called: Acroosteolysis dominant type; ACROOSTEOLYSIS WITH OSTEOPOROSIS AND CHANGES IN SKULL AND MANDIBLE; SERPENTINE FIBULA-POLYCYSTIC KIDNEY SYNDROME. Identifiers: Orphanet 955, MedGen C0917715, MONDO:0007057, OMIM 102500.

Submission:

Labcorp Genetics (formerly Invitae), Labcorp
Classification: Likely pathogenic for Hajdu-Cheney syndrome. Last evaluated: 2024-12-21. Review status: criteria provided, single submitter. Criteria: Invitae Variant Classification Sherloc (09022015). Collection method: clinical testing. Allele origin: germline.
Comment: This sequence change creates a premature translational stop signal (p.Ala2356Cysfs*44) in the NOTCH2 gene. While this is not anticipated to result in nonsense mediated decay, it is expected to disrupt the last 116 amino acid(s) of the NOTCH2 protein. This variant is not present in population databases (gnomAD no frequency). This variant has not been reported in the literature in individuals affected with NOTCH2-related conditions. This protein change is located in a region of the NOTCH2 protein where a significant number of previously reported NOTCH2 nonsense and frameshift mutations are found (PMID: 21378985, 23389697, 26627824). In summary, the currently available evidence indicates that the variant is pathogenic, but additional data are needed to prove that conclusively. Therefore, this variant has been classified as Likely Pathogenic.

Literature cited by the submitters: PubMed 21378985; PubMed 23389697; PubMed 26627824.

NM_024408.4(NOTCH2):c.7065dup (p.Ala2356fs)

Gene: NOTCH2 (notch receptor 2; minus strand). Cytogenetic location: 1p12.
Variant type: Duplication.
Coding change: c.7065dup on transcript NM_024408.4 (MANE Select); coding-DNA position 7065, one base duplicated (T; older notation c.7065dupT).
Protein change: p.Ala2356fs; shifts the reading frame from alanine 2356.
Molecular consequence: frameshift variant.
Genome position (GRCh38, 1-based): chr1:119,915,657, A duplicated on the plus strand (T on the coding strand, the reverse complement: NOTCH2 is on the minus strand). VCF-style (leftmost placement, unchanged base first): chr1-119915656-C-CA. GRCh37 (hg19) VCF-style: chr1-120458279-C-CA.
Other names: short protein forms A2356fs.
Identifiers: ClinVar variation 3727706 (VCV003727706.2).